The following is an entry in ClinVar:

NM_005996.4(TBX3):c.2069T>C (p.Leu690Pro)

Gene: TBX3 (T-box transcription factor 3; minus strand). Cytogenetic location: 12q24.21.
Variant type: single nucleotide variant.
Coding change: c.2069T>C on transcript NM_005996.4 (MANE Select); coding-DNA position 2069, T replaced by C.
Protein change: p.Leu690Pro; replaces leucine 690 with proline.
Molecular consequence: missense variant.
Genome position (GRCh38, 1-based): chr12:114,671,944, A>G on the plus strand (T>C on the coding strand, the complement: TBX3 is on the minus strand). VCF-style: chr12-114671944-A-G. GRCh37 (hg19) VCF-style: chr12-115109749-A-G.
Other names: c.2129T>C, p.Leu710Pro (NM_016569.4); short protein forms L710P, L690P.
Identifiers: ClinVar variation 2916530 (VCV002916530.3), dbSNP rs1380875741, ClinGen allele CA386867623.

ClinVar aggregate classification (germline): Uncertain significance (1 of 4 stars; one submission).

Conditions:
Ulnar-mammary syndrome (UMS). Also called: Ulnar-mammary syndrome of Pallister; PALLISTER ULNAR-MAMMARY SYNDROME; SCHINZEL SYNDROME. Identifiers: Orphanet 3138, MedGen C1866994, MONDO:0008411, OMIM 181450.

Allele frequency attached by ClinVar (database versions not stated): gnomAD 0.00001; TOPMed 0.00001.
gnomAD v4.1: 1 of 1,595,958 alleles (0.000063%); highest among the groups gnomAD compares: Admixed American, 0.0017%; no homozygotes.

Submission:

Labcorp Genetics (formerly Invitae), Labcorp
Classification: Uncertain significance for Ulnar-mammary syndrome. Last evaluated: 2024-08-13. Review status: criteria provided, single submitter. Criteria: Invitae Variant Classification Sherloc (09022015). Collection method: clinical testing. Allele origin: germline.
Comment: This sequence change replaces leucine, which is neutral and non-polar, with proline, which is neutral and non-polar, at codon 690 of the TBX3 protein (p.Leu690Pro). This variant is present in population databases (no rsID available, gnomAD 0.003%). This variant has not been reported in the literature in individuals affected with TBX3-related conditions. An algorithm developed to predict the effect of missense changes on protein structure and function (PolyPhen-2) suggests that this variant is likely to be disruptive. In summary, the available evidence is currently insufficient to determine the role of this variant in disease. Therefore, it has been classified as a Variant of Uncertain Significance.